The following is an entry in ClinVar:

ClinVar aggregate classification (germline): Likely pathogenic (1 of 4 stars; one submission).

Submission:

Hadassah Hebrew University Medical Center
Classification: Likely pathogenic. Review status: criteria provided, single submitter. Criteria: ACMG Guidelines, 2015. Collection method: clinical testing. Allele origin: germline. Inheritance: Autosomal recessive inheritance. Affected: yes.

NM_032380.5(GFM2):c.2195C>T (p.Pro732Leu)

Gene: GFM2 (GTP dependent ribosome recycling factor mitochondrial 2; minus strand). Cytogenetic location: 5q13.3.
Variant type: single nucleotide variant.
Coding change: c.2195C>T on transcript NM_032380.5 (MANE Select); coding-DNA position 2195, C replaced by T.
Protein change: p.Pro732Leu; replaces proline 732 with leucine.
Molecular consequence: missense variant. On other transcripts: non-coding transcript variant (1).
Genome position (GRCh38, 1-based): chr5:74,722,395, G>A on the plus strand (C>T on the coding strand, the complement: GFM2 is on the minus strand). VCF-style: chr5-74722395-G-A. GRCh37 (hg19) VCF-style: chr5-74018220-G-A.
Other names: c.2291C>T, p.Pro764Leu (NM_001281302.2); c.2054C>T, p.Pro685Leu (NM_170691.3); short protein forms P685L, P732L, P764L.
Identifiers: ClinVar variation 4755559 (VCV004755559.1).